The following is an entry in ClinVar:

NM_003334.4(UBA1):c.694G>A (p.Val232Ile)

Gene: UBA1 (ubiquitin like modifier activating enzyme 1; plus strand). Cytogenetic location: Xp11.3.
Variant type: single nucleotide variant.
Coding change: c.694G>A on transcript NM_003334.4 (MANE Select); coding-DNA position 694, G replaced by A.
Protein change: p.Val232Ile; replaces valine 232 with isoleucine.
Molecular consequence: missense variant.
Genome position (GRCh38, 1-based): chrX:47,201,493, G>A. VCF-style: chrX-47201493-G-A. GRCh37 (hg19) VCF-style: chrX-47060892-G-A.
Other names: c.694G>A, p.Val232Ile (NM_153280.3); short protein forms V232I.
Identifiers: ClinVar variation 3375044 (VCV003375044.1).

ClinVar aggregate classification (germline): Uncertain significance (1 of 4 stars; one submission).

Submission:

Women's Health and Genetics/Laboratory Corporation of America, LabCorp
Classification: Uncertain significance. Last evaluated: 2024-09-04. Review status: criteria provided, single submitter. Criteria: LabCorp Variant Classification Summary - May 2015. Collection method: clinical testing. Allele origin: germline.
Comment: Variant summary: UBA1 c.694G>A (p.Val232Ile) results in a conservative amino acid change located in the THIF-type NAD/FAD binding fold domain (IPR000594) of the encoded protein sequence. Three of five in-silico tools predict a damaging effect of the variant on protein function. The variant was absent in 183265 control chromosomes. The available data on variant occurrences in the general population are insufficient to allow any conclusion about variant significance. To our knowledge, no occurrence of c.694G>A in individuals affected with UBA1-Related Disorders and no experimental evidence demonstrating its impact on protein function have been reported. No submitters have cited clinical-significance assessments for this variant to ClinVar. Based on the evidence outlined above, the variant was classified as uncertain significance.